The following is an entry in ClinVar:

NM_001378454.1(ALMS1):c.10207A>G (p.Thr3403Ala)

Gene: ALMS1 (ALMS1 centrosome and basal body associated protein; plus strand). Cytogenetic location: 2p13.1.
Variant type: single nucleotide variant.
Coding change: c.10207A>G on transcript NM_001378454.1 (MANE Select); coding-DNA position 10207, A replaced by G.
Protein change: p.Thr3403Ala; replaces threonine 3403 with alanine.
Molecular consequence: missense variant.
Genome position (GRCh38, 1-based): chr2:73,557,348, A>G. VCF-style: chr2-73557348-A-G. GRCh37 (hg19) VCF-style: chr2-73784475-A-G.
Other names: c.10210A>G, p.Thr3404Ala (NM_015120.4); short protein forms T3403A, T3404A.
Identifiers: ClinVar variation 1760036 (VCV001760036.2), dbSNP rs2466403038, ClinGen allele CA347276884.
Genomic context (GRCh38, chr2:73,557,348, plus strand): 5'-AGTACAAGGGCAGTGACTGAGGCTGCCCAGGCTAAAGAAAAAGAATCTTTGCAGAAAGAT[A>G]CTGCAGGTAGCTAAACTGGATTGTCTGCGTATTATTTTCTTCTGGTCTTCTAAAATGAGA-3'
Protein context (NP_001365383.1, residues 3393-3413): AKEKESLQKD[Thr3403Ala]ADSSAAAAAE

ClinVar aggregate classification (germline): Uncertain significance (1 of 4 stars; one submission).

Conditions:
Cardiovascular phenotype. Identifiers: MedGen CN230736.

Submission:

Ambry Genetics
Classification: Uncertain significance for Cardiovascular phenotype. Last evaluated: 2021-09-21. Review status: criteria provided, single submitter. Criteria: Ambry Variant Classification Scheme 2023. Collection method: clinical testing. Allele origin: germline.
Comment: The p.T3404A variant (also known as c.10210A>G), located in coding exon 14 of the ALMS1 gene, results from an A to G substitution at nucleotide position 10210. The threonine at codon 3404 is replaced by alanine, an amino acid with similar properties. This amino acid position is not well conserved in available vertebrate species. In addition, this alteration is predicted to be tolerated by in silico analysis. Since supporting evidence is limited at this time, the clinical significance of this alteration remains unclear.